The following is an entry in ClinVar:

ClinVar aggregate classification (germline): Pathogenic (1 of 4 stars; one submission).

Submission:

Labcorp Genetics (formerly Invitae), Labcorp
Classification: Pathogenic. Last evaluated: 2023-05-26. Review status: criteria provided, single submitter. Criteria: Invitae Variant Classification Sherloc (09022015). Collection method: clinical testing. Allele origin: germline.
Comment: This variant is present in population databases (rs772705833, gnomAD 0.004%). This variant has not been reported in the literature in individuals affected with KCNJ1-related conditions. This variant disrupts a region of the KCNJ1 protein in which other variant(s) (p.His354Serfs*8) have been determined to be pathogenic (PMID: 11318951). This suggests that this is a clinically significant region of the protein, and that variants that disrupt it are likely to be disease-causing. For these reasons, this variant has been classified as Pathogenic. This sequence change creates a premature translational stop signal (p.Lys181Argfs*19) in the KCNJ1 gene. While this is not anticipated to result in nonsense mediated decay, it is expected to disrupt the last 211 amino acid(s) of the KCNJ1 protein.

Literature cited by the submitters: PubMed 11318951.

NM_153766.3(KCNJ1):c.485del (p.Lys162fs)

Gene: KCNJ1 (potassium inwardly rectifying channel subfamily J member 1; minus strand). Cytogenetic location: 11q24.3.
Variant type: Deletion.
Coding change: c.485del on transcript NM_153766.3 (MANE Select); coding-DNA position 485, one base deleted (A; older notation c.485delA).
Protein change: p.Lys162fs; shifts the reading frame from lysine 162.
Molecular consequence: frameshift variant.
Genome position (GRCh38, 1-based): chr11:128,839,759, T deleted on the plus strand (A on the coding strand, the reverse complement: KCNJ1 is on the minus strand); the first of 2 consecutive T bases (chr11:128,839,759-128,839,760); deleting either gives the same sequence. VCF-style (leftmost placement, unchanged base first): chr11-128839758-CT-C. GRCh37 (hg19) VCF-style: chr11-128709653-CT-C.
Other names: c.542del, p.Lys181fs (NM_000220.6); c.485del, p.Lys162fs (NM_153764.3, NM_153767.4); c.536del, p.Lys179fs (NM_153765.3); short protein forms K179fs, K162fs, K181fs.
Identifiers: ClinVar variation 2898592 (VCV002898592.3), dbSNP rs772705833, ClinGen allele CA6357513.